The following is an entry in ClinVar:

ClinVar aggregate classification (germline): Benign. Review status: criteria provided, multiple submitters, no conflicts (2 of 4 stars). 13 submissions from 13 submitters: Benign (10). 3 of the submissions do not count toward it. Last evaluated 2026-03-23.

Conditions:
Familial hypokalemia-hypomagnesemia (GTLMNS). Also called: gitelman syndrome; HYPOMAGNESEMIA-HYPOKALEMIA, PRIMARY RENOTUBULAR, WITH HYPOCALCIURIA; POTASSIUM AND MAGNESIUM DEPLETION. Identifiers: Orphanet 358, MedGen C0268450, MONDO:0009904, OMIM 263800.

Allele frequency attached by ClinVar (database versions not stated): 1000 Genomes Project 0.06430; 1000 Genomes Project 30x 0.06558; ESP Exome Variant Server 0.07027; TOPMed 0.07516; gnomAD 0.08069 and 0.08091; ExAC 0.09929.
gnomAD v4.1: 145,176 of 1,555,250 alleles (9.3%); highest among the groups gnomAD compares: Middle Eastern, 13%; 7,168 homozygotes.

Submissions (13):

Women's Health and Genetics/Laboratory Corporation of America, LabCorp
Classification: Benign. Last evaluated: 2026-03-23. Review status: criteria provided, single submitter. Criteria: LabCorp Variant Classification Summary - May 2015. Collection method: clinical testing. Allele origin: germline.

Labcorp Genetics (formerly Invitae), Labcorp
Classification: Benign. Last evaluated: 2026-02-04. Review status: criteria provided, single submitter. Criteria: Invitae Variant Classification Sherloc (09022015). Collection method: clinical testing. Allele origin: germline.

Blueprint Genetics
Classification: Benign. Last evaluated: 2024-11-27. Review status: criteria provided, single submitter. Criteria: ACMG Guidelines, 2015. Collection method: clinical testing. Allele origin: germline.

Mayo Clinic Laboratories, Mayo Clinic
Classification: Benign. Last evaluated: 2022-03-09. Review status: criteria provided, single submitter. Criteria: ACMG Guidelines, 2015. Collection method: clinical testing. Allele origin: germline. Observed: 29 variant alleles.

Genome-Nilou Lab
Classification: Benign for Familial hypokalemia-hypomagnesemia. Last evaluated: 2021-07-10. Review status: criteria provided, single submitter. Criteria: ACMG Guidelines, 2015. Collection method: clinical testing. Allele origin: germline. Affected: no.

GeneDx
Classification: Benign. Last evaluated: 2019-08-06. Review status: criteria provided, single submitter. Criteria: GeneDx Variant Classification Process June 2021. Collection method: clinical testing. Allele origin: germline. Affected: yes.

Illumina Laboratory Services, Illumina
Classification: Benign for Familial hypokalemia-hypomagnesemia. Last evaluated: 2018-01-13. Review status: criteria provided, single submitter. Criteria: ICSL Variant Classification Criteria 13 December 2019. Collection method: clinical testing. Allele origin: germline.
Comment: This variant was observed in the ICSL laboratory as part of a predisposition screen in an ostensibly healthy population. It had not been previously curated by ICSL or reported in the Human Gene Mutation Database (HGMD: prior to June 1st, 2018), and was therefore a candidate for classification through an automated scoring system. Utilizing variant allele frequency, disease prevalence and penetrance estimates, and inheritance mode, an automated score was calculated to assess if this variant is too frequent to cause the disease. Based on the score and internal cut-off values, a variant classified as benign is not then subjected to further curation. The score for this variant resulted in a classification of benign for this disease.

Athena Diagnostics
Classification: Benign for Familial hypokalemia-hypomagnesemia. Last evaluated: 2017-06-29. Review status: criteria provided, single submitter. Criteria: Athena Diagnostics Criteria. Collection method: clinical testing. Allele origin: germline.

Breakthrough Genomics
Classification: Benign. Review status: criteria provided, single submitter. Criteria: ACMG Guidelines, 2015. Collection method: not provided. Allele origin: germline. Inheritance: Autosomal recessive inheritance. Affected: yes.

PreventionGenetics, part of Exact Sciences
Classification: Benign. Review status: criteria provided, single submitter. Criteria: ACMG Guidelines, 2015. Collection method: clinical testing. Allele origin: germline.

Natera, Inc.
Classification: Benign for Gitelman syndrome. Last evaluated: 2020-09-16. Review status: no assertion criteria provided. Collection method: clinical testing. Allele origin: germline. Not counted in ClinVar's aggregate classification.

Genome Diagnostics Laboratory, University Medical Center Utrecht
Classification: Benign. Review status: no assertion criteria provided. Collection method: clinical testing. Allele origin: germline. Affected: yes. Study: VKGL Data-share Consensus. Not counted in ClinVar's aggregate classification.

Joint Genome Diagnostic Labs from Nijmegen and Maastricht, Radboudumc and MUMC+
Classification: Benign. Review status: no assertion criteria provided. Collection method: clinical testing. Allele origin: germline. Affected: yes. Study: VKGL Data-share Consensus. Not counted in ClinVar's aggregate classification.

NM_001126108.2(SLC12A3):c.1884G>A (p.Ser628=)

Gene: SLC12A3 (solute carrier family 12 member 3; plus strand). Cytogenetic location: 16q13.
Variant type: single nucleotide variant.
Coding change: c.1884G>A on transcript NM_001126108.2 (MANE Select); coding-DNA position 1884, G replaced by A.
Protein change: p.Ser628=; no amino-acid change (serine 628 retained).
Molecular consequence: synonymous variant.
Genome position (GRCh38, 1-based): chr16:56,885,323, G>A. VCF-style: chr16-56885323-G-A. GRCh37 (hg19) VCF-style: chr16-56919235-G-A.
Other names: p.Ser628=; c.1884G>A, p.Ser628= (NM_000339.3); c.1881G>A, p.Ser627= (NM_001126107.2).
Identifiers: ClinVar variation 255883 (VCV000255883.27), dbSNP rs5802, ClinGen allele CA8069647.